The following is an entry in ClinVar:

NM_152383.5(DIS3L2):c.623C>A (p.Pro208Gln)

Gene: DIS3L2 (DIS3 like 3'-5' exoribonuclease 2; plus strand). Cytogenetic location: 2q37.1.
Variant type: single nucleotide variant.
Coding change: c.623C>A on transcript NM_152383.5 (MANE Select); coding-DNA position 623, C replaced by A.
Protein change: p.Pro208Gln; replaces proline 208 with glutamine.
Molecular consequence: missense variant. On other transcripts: non-coding transcript variant (2).
Genome position (GRCh38, 1-based): chr2:232,130,640, C>A. VCF-style: chr2-232130640-C-A. GRCh37 (hg19) VCF-style: chr2-232995350-C-A.
Other names: c.623C>A, p.Pro208Gln (NM_001257281.2, NM_001257282.2); short protein forms P208Q.
Identifiers: ClinVar variation 580860 (VCV000580860.8), dbSNP rs1022276697, ClinGen allele CA351153126.

ClinVar aggregate classification (germline): Uncertain significance (1 of 4 stars; one submission).

Conditions:
Perlman syndrome (PRLMNS). Identifiers: Orphanet 2849, MedGen C0796113, MONDO:0009965, OMIM 267000.

gnomAD v4.1: 1 of 1,611,920 alleles (0.000062%); no homozygotes.

Submission:

Labcorp Genetics (formerly Invitae), Labcorp
Classification: Uncertain significance for Perlman syndrome. Last evaluated: 2022-01-17. Review status: criteria provided, single submitter. Criteria: Invitae Variant Classification Sherloc (09022015). Collection method: clinical testing. Allele origin: germline.
Comment: In summary, the available evidence is currently insufficient to determine the role of this variant in disease. Therefore, it has been classified as a Variant of Uncertain Significance. Algorithms developed to predict the effect of missense changes on protein structure and function output the following: SIFT: "Tolerated"; PolyPhen-2: "Benign"; Align-GVGD: "Class C0". The glutamine amino acid residue is found in multiple mammalian species, which suggests that this missense change does not adversely affect protein function. ClinVar contains an entry for this variant (Variation ID: 580860). This variant has not been reported in the literature in individuals affected with DIS3L2-related conditions. The frequency data for this variant in the population databases is considered unreliable, as metrics indicate poor data quality at this position in the gnomAD database. This sequence change replaces proline, which is neutral and non-polar, with glutamine, which is neutral and polar, at codon 208 of the DIS3L2 protein (p.Pro208Gln).